The following is an entry in ClinVar:

NM_018089.3(ANKZF1):c.1208C>T (p.Ser403Leu)

Gene: ANKZF1 (ankyrin repeat and zinc finger peptidyl tRNA hydrolase 1; plus strand). Cytogenetic location: 2q35.
Variant type: single nucleotide variant.
Coding change: c.1208C>T on transcript NM_018089.3 (MANE Select); coding-DNA position 1208, C replaced by T.
Protein change: p.Ser403Leu; replaces serine 403 with leucine.
Molecular consequence: missense variant.
Genome position (GRCh38, 1-based): chr2:219,234,829, C>T. VCF-style: chr2-219234829-C-T. GRCh37 (hg19) VCF-style: chr2-220099551-C-T.
Other names: c.1208C>T, p.Ser403Leu (NM_001042410.2); c.578C>T, p.Ser193Leu (NM_001282792.2); short protein forms S403L, S193L.
Identifiers: ClinVar variation 2090429 (VCV002090429.4), dbSNP rs747740100, ClinGen allele CA2121016.

ClinVar aggregate classification (germline): Uncertain significance (1 of 4 stars; one submission).

Allele frequency attached by ClinVar (database versions not stated): TOPMed below 0.00001; ExAC 0.00001.

Submission:

Labcorp Genetics (formerly Invitae), Labcorp
Classification: Uncertain significance. Last evaluated: 2024-11-09. Review status: criteria provided, single submitter. Criteria: Invitae Variant Classification Sherloc (09022015). Collection method: clinical testing. Allele origin: germline.
Comment: This sequence change replaces serine, which is neutral and polar, with leucine, which is neutral and non-polar, at codon 403 of the ANKZF1 protein (p.Ser403Leu). This variant is not present in population databases (gnomAD no frequency). This variant has not been reported in the literature in individuals affected with ANKZF1-related conditions. ClinVar contains an entry for this variant (Variation ID: 2090429). An algorithm developed to predict the effect of missense changes on protein structure and function (PolyPhen-2) suggests that this variant is likely to be tolerated. Algorithms developed to predict the effect of sequence changes on RNA splicing suggest that this variant may disrupt the consensus splice site. In summary, the available evidence is currently insufficient to determine the role of this variant in disease. Therefore, it has been classified as a Variant of Uncertain Significance.